The following is an entry in ClinVar:

ClinVar aggregate classification (germline): Pathogenic. Review status: criteria provided, single submitter (1 of 4 stars). 2 submissions from 2 submitters: Pathogenic (1). 1 of the submissions does not count toward it. Last evaluated 2022-08-28.

Conditions:
Ornithine carbamoyltransferase deficiency (OTCD). Also called: ORNITHINE TRANSCARBAMYLASE DEFICIENCY, HYPERAMMONEMIA DUE TO; ORNITHINE TRANSCARBAMYLASE DEFICIENCY; OTC DEFICIENCY; Ornithine Carbamoyltransferase Deficiency Disease. Identifiers: Orphanet 664, MedGen C0268542, MONDO:0010703, OMIM 311250.

Submissions (2):

Labcorp Genetics (formerly Invitae), Labcorp
Classification: Pathogenic for Ornithine carbamoyltransferase deficiency. Last evaluated: 2022-08-28. Review status: criteria provided, single submitter. Criteria: Invitae Variant Classification Sherloc (09022015). Collection method: clinical testing. Allele origin: germline.
Comment: For these reasons, this variant has been classified as Pathogenic. Algorithms developed to predict the effect of sequence changes on RNA splicing suggest that this variant may disrupt the consensus splice site. Studies have shown that disruption of this splice site alters OTC gene expression (PMID: 2035531). ClinVar contains an entry for this variant (Variation ID: 97297). This variant is also known as IVS7+1G>A. Disruption of this splice site has been observed in individuals with ornithine transcarbamylase deficiency (PMID: 2035531, 11117428, 11793468; Invitae). This variant is not present in population databases (gnomAD no frequency). This sequence change affects a donor splice site in intron 7 of the OTC gene. It is expected to disrupt RNA splicing. Variants that disrupt the donor or acceptor splice site typically lead to a loss of protein function (PMID: 16199547), and loss-of-function variants in OTC are known to be pathogenic (PMID: 10946359, 16786505).

GenMed Metabolism Lab
Classification: Pathogenic. Review status: no assertion criteria provided. Collection method: not provided. Allele origin: unknown. Not counted in ClinVar's aggregate classification.
Comment: Neonatal, Donor splice site error
ClinVar note: Converted during submission from pathogenic to Pathogenic.

Literature cited by the submitters: PubMed 2035531 (cited by Labcorp Genetics (formerly Invitae), Labcorp); PubMed 11117428 (cited by Labcorp Genetics (formerly Invitae), Labcorp); PubMed 11793468 (cited by Labcorp Genetics (formerly Invitae), Labcorp); PubMed 16199547 (cited by Labcorp Genetics (formerly Invitae), Labcorp); PubMed 10946359 (cited by Labcorp Genetics (formerly Invitae), Labcorp); PubMed 16786505 (cited by Labcorp Genetics (formerly Invitae), Labcorp).

NM_000531.6(OTC):c.717+1G>A

Gene: OTC (ornithine transcarbamylase; plus strand). Cytogenetic location: Xp11.4.
Variant type: single nucleotide variant.
Coding change: c.717+1G>A on transcript NM_000531.6 (MANE Select); the canonical splice donor site of the intron after coding-DNA position 717, G replaced by A.
Molecular consequence: splice donor variant.
Genome position (GRCh38, 1-based): chrX:38,408,796, G>A. VCF-style: chrX-38408796-G-A. GRCh37 (hg19) VCF-style: chrX-38268049-G-A.
Other names: c.717+1G>A (NM_001407092.1).
Identifiers: ClinVar variation 97297 (VCV000097297.8), dbSNP rs66500027, ClinGen allele CA224752.